The following is an entry in ClinVar:

NM_007194.4(CHEK2):c.1001C>A (p.Ala334Asp)

Gene: CHEK2 (checkpoint kinase 2; minus strand). Cytogenetic location: 22q12.1.
Variant type: single nucleotide variant.
Coding change: c.1001C>A on transcript NM_007194.4 (MANE Select); coding-DNA position 1001, C replaced by A.
Protein change: p.Ala334Asp; replaces alanine 334 with aspartic acid.
Molecular consequence: missense variant.
Genome position (GRCh38, 1-based): chr22:28,699,845, G>T on the plus strand (C>A on the coding strand, the complement: CHEK2 is on the minus strand). VCF-style: chr22-28699845-G-T. GRCh37 (hg19) VCF-style: chr22-29095833-G-T.
Other names: c.1130C>A, p.Ala377Asp (NM_001005735.3); c.338C>A, p.Ala113Asp (NM_001257387.3); c.800C>A, p.Ala267Asp (NM_001349956.3); c.1001C>A, p.Ala334Asp (NM_145862.3); short protein forms A334D, A377D, A267D, A113D.
Identifiers: ClinVar variation 449902 (VCV000449902.17), dbSNP rs1555915316, ClinGen allele CA411099351.

ClinVar aggregate classification (germline): Uncertain significance. Review status: criteria provided, multiple submitters, no conflicts (2 of 4 stars). 3 submissions from 3 submitters: Uncertain significance (3). Last evaluated 2025-08-04.

Conditions:
Hereditary cancer-predisposing syndrome. Also called: Neoplastic Syndromes, Hereditary; Hereditary neoplastic syndrome; Hereditary Cancer Syndrome; Tumor predisposition. Identifiers: Orphanet 140162, MedGen C0027672, MeSH D009386, MONDO:0015356.
Familial cancer of breast. Also called: BREAST CANCER, FAMILIAL; hereditary breast carcinoma; Hereditary breast cancer. Identifiers: Orphanet 227535, MedGen C0346153, MONDO:0016419, OMIM 114480. Disease mechanism: loss of function.

Submissions (3):

Labcorp Genetics (formerly Invitae), Labcorp
Classification: Uncertain significance for Familial cancer of breast. Last evaluated: 2025-08-04. Review status: criteria provided, single submitter. Criteria: Invitae Variant Classification Sherloc (09022015). Collection method: clinical testing. Allele origin: germline.
Comment: This sequence change replaces alanine, which is neutral and non-polar, with aspartic acid, which is acidic and polar, at codon 334 of the CHEK2 protein (p.Ala334Asp). This variant is not present in population databases (gnomAD no frequency). This variant has not been reported in the literature in individuals affected with CHEK2-related conditions. ClinVar contains an entry for this variant (Variation ID: 449902). An algorithm developed to predict the effect of missense changes on protein structure and function (PolyPhen-2) suggests that this variant is likely to be disruptive. In summary, the available evidence is currently insufficient to determine the role of this variant in disease. Therefore, it has been classified as a Variant of Uncertain Significance.

Ambry Genetics
Classification: Uncertain significance for Hereditary cancer-predisposing syndrome. Last evaluated: 2025-02-19. Review status: criteria provided, single submitter. Criteria: Ambry Variant Classification Scheme 2023. Collection method: clinical testing. Allele origin: germline.
Comment: The p.A334D variant (also known as c.1001C>A), located in coding exon 8 of the CHEK2 gene, results from a C to A substitution at nucleotide position 1001. The alanine at codon 334 is replaced by aspartic acid, an amino acid with dissimilar properties. This amino acid position is highly conserved in available vertebrate species. In addition, this alteration is predicted to be deleterious by in silico analysis. Since supporting evidence is limited at this time, the clinical significance of this alteration remains unclear.

GeneDx
Classification: Uncertain significance. Last evaluated: 2021-03-26. Review status: criteria provided, single submitter. Criteria: GeneDx Variant Classification Process June 2021. Collection method: clinical testing. Allele origin: germline. Affected: yes.
Comment: Not observed in large population cohorts (Lek et al., 2016); In silico analysis supports that this missense variant has a deleterious effect on protein structure/function; Has not been previously published as pathogenic or benign to our knowledge